The following is an entry in ClinVar:

ClinVar aggregate classification (germline): Benign. Review status: criteria provided, multiple submitters, no conflicts (2 of 4 stars). 7 submissions from 7 submitters: Benign (6). 1 of the submissions does not count toward it. Last evaluated 2026-02-03.

Conditions:
TUBA1A-related disorder. Also called: TUBA1A-related condition.

Allele frequency attached by ClinVar (database versions not stated): gnomAD exomes 0.00479 and 0.00804; 1000 Genomes Project 30x 0.03029; ESP Exome Variant Server 0.02422; gnomAD 0.02931 and 0.02768; 1000 Genomes Project 0.03115; ExAC 0.01075.

Submissions (7):

Labcorp Genetics (formerly Invitae), Labcorp
Classification: Benign. Last evaluated: 2026-02-03. Review status: criteria provided, single submitter. Criteria: Invitae Variant Classification Sherloc (09022015). Collection method: clinical testing. Allele origin: germline.

Athena Diagnostics
Classification: Benign. Last evaluated: 2025-08-27. Review status: criteria provided, single submitter. Criteria: Athena Diagnostics Criteria. Collection method: clinical testing. Allele origin: unknown.
Comment: The frequency of this variant in the general population is higher than would generally be expected for pathogenic variants in this gene.

Mayo Clinic Laboratories, Mayo Clinic
Classification: Benign. Last evaluated: 2021-11-04. Review status: criteria provided, single submitter. Criteria: ACMG Guidelines, 2015. Collection method: clinical testing. Allele origin: germline. Observed: 3 variant alleles.

GeneDx
Classification: Benign. Last evaluated: 2014-03-31. Review status: criteria provided, single submitter. Criteria: GeneDx Variant Classification (06012015). Collection method: clinical testing. Allele origin: germline. Affected: yes.
Comment: This variant is considered likely benign or benign based on one or more of the following criteria: it is a conservative change, it occurs at a poorly conserved position in the protein, it is predicted to be benign by multiple in silico algorithms, and/or has population frequency not consistent with disease.

Genetic Services Laboratory, University of Chicago
Classification: Benign. Last evaluated: 2013-02-08. Review status: criteria provided, single submitter. Criteria: ACMG Guidelines, 2007. Collection method: clinical testing. Allele origin: germline. Inheritance: Autosomal dominant inheritance.

Breakthrough Genomics
Classification: Benign. Review status: criteria provided, single submitter. Criteria: ACMG Guidelines, 2015. Collection method: not provided. Allele origin: germline. Inheritance: Autosomal dominant inheritance. Affected: yes.

PreventionGenetics, part of Exact Sciences
Classification: Benign for TUBA1A-related condition. Last evaluated: 2019-07-18. Review status: no assertion criteria provided. Collection method: clinical testing. Allele origin: germline. Not counted in ClinVar's aggregate classification.
Comment: This variant is classified as benign based on ACMG/AMP sequence variant interpretation guidelines (Richards et al. 2015 PMID: 25741868, with internal and published modifications).

NM_006009.4(TUBA1A):c.510T>C (p.Ser170=)

Gene: TUBA1A (tubulin alpha 1a; minus strand). Cytogenetic location: 12q13.12.
Variant type: single nucleotide variant.
Coding change: c.510T>C on transcript NM_006009.4 (MANE Select); coding-DNA position 510, T replaced by C.
Protein change: p.Ser170=; no amino-acid change (serine 170 retained).
Molecular consequence: synonymous variant.
Genome position (GRCh38, 1-based): chr12:49,185,856, A>G on the plus strand (T>C on the coding strand, the complement: TUBA1A is on the minus strand). VCF-style: chr12-49185856-A-G. GRCh37 (hg19) VCF-style: chr12-49579639-A-G.
Other names: p.S170S:TCT>TCC; p.Ser170=; c.510T>C, p.Ser170= (NM_001270399.2); c.405T>C, p.Ser135= (NM_001270400.2).
Identifiers: ClinVar variation 137849 (VCV000137849.18), dbSNP rs112023543, ClinGen allele CA173758.